The following is an entry in ClinVar:

NM_000302.4(PLOD1):c.1097+4A>G

Gene: PLOD1 (procollagen-lysine,2-oxoglutarate 5-dioxygenase 1; plus strand). Cytogenetic location: 1p36.22.
Variant type: single nucleotide variant.
Coding change: c.1097+4A>G on transcript NM_000302.4 (MANE Select); 4 bases into the intron after coding-DNA position 1097, A replaced by G.
Molecular consequence: intron variant.
Genome position (GRCh38, 1-based): chr1:11,960,771, A>G. VCF-style: chr1-11960771-A-G. GRCh37 (hg19) VCF-style: chr1-12020828-A-G.
Other names: c.1238+4A>G (NM_001316320.2).
Identifiers: ClinVar variation 1211627 (VCV001211627.3), dbSNP rs2100754342, ClinGen allele CA2499214146.

ClinVar aggregate classification (germline): Uncertain significance (1 of 4 stars; one submission).

Allele frequency attached by ClinVar (database versions not stated): gnomAD exomes below 0.00001.
gnomAD v4.1: 1 of 1,612,614 alleles (0.000062%); highest among the groups gnomAD compares: Non-Finnish European, 0.000085%; no homozygotes.

Submission:

GeneDx
Classification: Uncertain significance. Last evaluated: 2019-11-13. Review status: criteria provided, single submitter. Criteria: GeneDx Variant Classification Process June 2021. Collection method: clinical testing. Allele origin: germline. Affected: yes.
Comment: Not observed in large population cohorts (Lek et al., 2016); In silico analysis supports a deleterious effect on splicing; Has not been previously published as pathogenic or benign to our knowledge